The following is an entry in ClinVar:

ClinVar aggregate classification (germline): Uncertain significance (1 of 4 stars; one submission).

Conditions:
Hereditary sensory and autonomic neuropathy type 7. Also called: HSAN VII; Neuropathy, hereditary sensory and autonomic, type VII. Identifiers: Orphanet 391397, MedGen C3809882, MONDO:0014244, OMIM 615548.
Familial episodic pain syndrome with predominantly lower limb involvement. Also called: Episodic pain syndrome, familial, 3. Identifiers: Orphanet 391384, Orphanet 391392, MedGen C3809899, MONDO:0014247, OMIM 615552.

gnomAD v4.1: 2 of 1,613,962 alleles (0.00012%); highest among the groups gnomAD compares: Non-Finnish European, 0.00017%; no homozygotes.

Submission:

Labcorp Genetics (formerly Invitae), Labcorp
Classification: Uncertain significance for Familial episodic pain syndrome with predominantly lower limb involvement; Hereditary sensory and autonomic neuropathy type 7. Last evaluated: 2024-10-15. Review status: criteria provided, single submitter. Criteria: Invitae Variant Classification Sherloc (09022015). Collection method: clinical testing. Allele origin: germline.
Comment: This sequence change replaces aspartic acid, which is acidic and polar, with asparagine, which is neutral and polar, at codon 22 of the SCN11A protein (p.Asp22Asn). This variant is present in population databases (rs753397641, gnomAD 0.006%). This variant has not been reported in the literature in individuals affected with SCN11A-related conditions. Invitae Evidence Modeling of protein sequence and biophysical properties (such as structural, functional, and spatial information, amino acid conservation, physicochemical variation, residue mobility, and thermodynamic stability) indicates that this missense variant is not expected to disrupt SCN11A protein function with a negative predictive value of 80%. In summary, the available evidence is currently insufficient to determine the role of this variant in disease. Therefore, it has been classified as a Variant of Uncertain Significance.

NM_001349253.2(SCN11A):c.64G>A (p.Asp22Asn)

Gene: SCN11A (sodium voltage-gated channel alpha subunit 11; minus strand). Cytogenetic location: 3p22.2.
Variant type: single nucleotide variant.
Coding change: c.64G>A on transcript NM_001349253.2 (MANE Select); coding-DNA position 64, G replaced by A.
Protein change: p.Asp22Asn; replaces aspartic acid 22 with asparagine.
Molecular consequence: missense variant.
Genome position (GRCh38, 1-based): chr3:38,950,299, C>T on the plus strand (G>A on the coding strand, the complement: SCN11A is on the minus strand). VCF-style: chr3-38950299-C-T. GRCh37 (hg19) VCF-style: chr3-38991790-C-T.
Other names: c.64G>A, p.Asp22Asn (NM_014139.3); short protein forms D22N.
Identifiers: ClinVar variation 3761592 (VCV003761592.2).
Genomic context (GRCh38, chr3:38,950,299, plus strand): 5'-CTTTAGACTTCTTTTTCTCCTTTTGGATGGCAATCCGCTTCTCAATTGCAGCCAGAGAGT[C>T]GGAAGTGAAGGGGCGGAAATTCCGCTCATCTGGAAAGATTACTGGGTAGCATCTGTCATC-3'
Protein context (NP_001336182.1, residues 12-32): DERNFRPFTS[Asp22Asn]SLAAIEKRIA